The following is an entry in ClinVar:

NM_000321.3(RB1):c.1273A>C (p.Ile425Leu)

Gene: RB1 (RB transcriptional corepressor 1; plus strand). Cytogenetic location: 13q14.2.
Variant type: single nucleotide variant.
Coding change: c.1273A>C on transcript NM_000321.3 (MANE Select); coding-DNA position 1273, A replaced by C.
Protein change: p.Ile425Leu; replaces isoleucine 425 with leucine.
Molecular consequence: missense variant.
Genome position (GRCh38, 1-based): chr13:48,376,975, A>C. VCF-style: chr13-48376975-A-C. GRCh37 (hg19) VCF-style: chr13-48951111-A-C.
Other names: c.1273A>C, p.Ile425Leu (NM_001407165.1, NM_001407166.1); short protein forms I425L.
Identifiers: ClinVar variation 4842606 (VCV004842606.1).

ClinVar aggregate classification (germline): Uncertain significance (1 of 4 stars; one submission).

Conditions:
Hereditary cancer-predisposing syndrome. Also called: Neoplastic Syndromes, Hereditary; Tumor predisposition; Hereditary Cancer Syndrome; Hereditary neoplastic syndrome. Identifiers: Orphanet 140162, MedGen C0027672, MeSH D009386, MONDO:0015356.

Submission:

Ambry Genetics
Classification: Uncertain significance for Hereditary cancer-predisposing syndrome. Last evaluated: 2026-01-10. Review status: criteria provided, single submitter. Criteria: Ambry Variant Classification Scheme 2023. Collection method: clinical testing. Allele origin: germline.
Comment: The p.I425L variant (also known as c.1273A>C), located in coding exon 13 of the RB1 gene, results from an A to C substitution at nucleotide position 1273. The isoleucine at codon 425 is replaced by leucine, an amino acid with highly similar properties. This amino acid position is conserved. In addition, the in silico prediction for this alteration is inconclusive. Based on the available evidence, the clinical significance of this variant remains unclear.